The following is an entry in ClinVar:

NM_001457.4(FLNB):c.3869A>G (p.Tyr1290Cys)

Gene: FLNB (filamin B; plus strand). Cytogenetic location: 3p14.3.
Variant type: single nucleotide variant.
Coding change: c.3869A>G on transcript NM_001457.4 (MANE Select); coding-DNA position 3869, A replaced by G.
Protein change: p.Tyr1290Cys; replaces tyrosine 1290 with cysteine.
Molecular consequence: missense variant.
Genome position (GRCh38, 1-based): chr3:58,124,476, A>G. VCF-style: chr3-58124476-A-G. GRCh37 (hg19) VCF-style: chr3-58110203-A-G.
Other names: c.3869A>G, p.Tyr1290Cys (NM_001164317.2, NM_001164318.2, NM_001164319.2); short protein forms Y1290C.
Identifiers: ClinVar variation 3635725 (VCV003635725.2).

ClinVar aggregate classification (germline): Uncertain significance (1 of 4 stars; one submission).

Submission:

Labcorp Genetics (formerly Invitae), Labcorp
Classification: Uncertain significance. Last evaluated: 2024-07-31. Review status: criteria provided, single submitter. Criteria: Invitae Variant Classification Sherloc (09022015). Collection method: clinical testing. Allele origin: germline.
Comment: This sequence change replaces tyrosine, which is neutral and polar, with cysteine, which is neutral and slightly polar, at codon 1290 of the FLNB protein (p.Tyr1290Cys). This variant is not present in population databases (gnomAD no frequency). This variant has not been reported in the literature in individuals affected with FLNB-related conditions. Advanced modeling of protein sequence and biophysical properties (such as structural, functional, and spatial information, amino acid conservation, physicochemical variation, residue mobility, and thermodynamic stability) performed at Invitae indicates that this missense variant is not expected to disrupt FLNB protein function with a negative predictive value of 95%. In summary, the available evidence is currently insufficient to determine the role of this variant in disease. Therefore, it has been classified as a Variant of Uncertain Significance.